The following is an entry in ClinVar:

NM_198578.4(LRRK2):c.3025C>T (p.His1009Tyr)

Gene: LRRK2 (leucine rich repeat kinase 2; plus strand). Cytogenetic location: 12q12.
Variant type: single nucleotide variant.
Coding change: c.3025C>T on transcript NM_198578.4 (MANE Select); coding-DNA position 3025, C replaced by T.
Protein change: p.His1009Tyr; replaces histidine 1009 with tyrosine.
Molecular consequence: missense variant.
Genome position (GRCh38, 1-based): chr12:40,295,573, C>T. VCF-style: chr12-40295573-C-T. GRCh37 (hg19) VCF-style: chr12-40689375-C-T.
Other names: short protein forms H1009Y.
Identifiers: ClinVar variation 3229588 (VCV003229588.1), dbSNP rs373366713, ClinGen allele CA384412882.

ClinVar aggregate classification (germline): Uncertain significance (1 of 4 stars; one submission).

Conditions:
Inborn genetic diseases. Identifiers: MedGen C0950123, MeSH D030342.

Submission:

Ambry Genetics
Classification: Uncertain significance for Inborn genetic diseases. Last evaluated: 2024-03-13. Review status: criteria provided, single submitter. Criteria: Ambry Variant Classification Scheme 2023. Collection method: clinical testing. Allele origin: germline.
Comment: The p.H1009Y variant (also known as c.3025C>T), located in coding exon 23 of the LRRK2 gene, results from a C to T substitution at nucleotide position 3025. The histidine at codon 1009 is replaced by tyrosine, an amino acid with similar properties. This amino acid position is conserved. In addition, this alteration is predicted to be tolerated by in silico analysis. Based on the available evidence, the clinical significance of this alteration remains unclear.